The following is an entry in ClinVar:

NM_014956.5(CEP164):c.854C>G (p.Ser285Cys)

Gene: CEP164 (centrosomal protein 164; plus strand). Cytogenetic location: 11q23.3.
Variant type: single nucleotide variant.
Coding change: c.854C>G on transcript NM_014956.5 (MANE Select); coding-DNA position 854, C replaced by G.
Protein change: p.Ser285Cys; replaces serine 285 with cysteine.
Molecular consequence: missense variant.
Genome position (GRCh38, 1-based): chr11:117,371,168, C>G. VCF-style: chr11-117371168-C-G. GRCh37 (hg19) VCF-style: chr11-117241884-C-G.
Other names: c.854C>G, p.Ser285Cys (NM_001271933.2); short protein forms S285C.
Identifiers: ClinVar variation 1017684 (VCV001017684.7), dbSNP rs764958657, ClinGen allele CA382736539.

ClinVar aggregate classification (germline): Uncertain significance (1 of 4 stars; one submission).

Conditions:
Nephronophthisis 15 (NPHP15). Identifiers: Orphanet 3156, MedGen C3541853, MONDO:0013917, OMIM 614845.

Allele frequency attached by ClinVar (database versions not stated): gnomAD exomes below 0.00001; gnomAD 0.00001.
gnomAD v4.1: 2 of 1,614,174 alleles (0.00012%); highest among the groups gnomAD compares: Middle Eastern, 0.017%; no homozygotes.

Submission:

Labcorp Genetics (formerly Invitae), Labcorp
Classification: Uncertain significance for Nephronophthisis 15. Last evaluated: 2023-11-27. Review status: criteria provided, single submitter. Criteria: Invitae Variant Classification Sherloc (09022015). Collection method: clinical testing. Allele origin: germline.
Comment: This sequence change replaces serine, which is neutral and polar, with cysteine, which is neutral and slightly polar, at codon 285 of the CEP164 protein (p.Ser285Cys). This variant is not present in population databases (gnomAD no frequency). This variant has not been reported in the literature in individuals affected with CEP164-related conditions. ClinVar contains an entry for this variant (Variation ID: 1017684). An algorithm developed to predict the effect of missense changes on protein structure and function (PolyPhen-2) suggests that this variant¬†is likely to be tolerated. In summary, the available evidence is currently insufficient to determine the role of this variant in disease. Therefore, it has been classified as a Variant of Uncertain Significance.